The following is an entry in ClinVar:

NM_000059.4(BRCA2):c.6682G>C (p.Val2228Leu)

Gene: BRCA2 (BRCA2 DNA repair associated; plus strand). Cytogenetic location: 13q13.1.
Variant type: single nucleotide variant.
Coding change: c.6682G>C on transcript NM_000059.4 (MANE Select); coding-DNA position 6682, G replaced by C.
Protein change: p.Val2228Leu; replaces valine 2228 with leucine.
Molecular consequence: missense variant.
Genome position (GRCh38, 1-based): chr13:32,341,037, G>C. VCF-style: chr13-32341037-G-C. GRCh37 (hg19) VCF-style: chr13-32915174-G-C.
Other names: short protein forms V2228L.
Identifiers: ClinVar variation 826552 (VCV000826552.8), dbSNP rs1593909466, ClinGen allele CA387790568.
Genomic context (GRCh38, chr13:32,341,037, plus strand): 5'-AATATAGAAGTTTGTTCTACTTACTCCAAAGATTCAGAAAACTACTTTGAAACAGAAGCA[G>C]TAGAAATTGCTAAAGCTTTTATGGAAGATGATGAACTGACAGATTCTAAACTGCCAAGTC-3'
Protein context (NP_000050.3, residues 2218-2238): DSENYFETEA[Val2228Leu]EIAKAFMEDD

ClinVar aggregate classification (germline): Conflicting classifications of pathogenicity. Review status: criteria provided, conflicting classifications (1 of 4 stars). 3 submissions from 3 submitters: Uncertain significance (2); Likely benign (1). Last evaluated 2024-07-20.

Conditions:
Hereditary cancer-predisposing syndrome. Also called: Neoplastic Syndromes, Hereditary; Tumor predisposition; Hereditary neoplastic syndrome; Hereditary Cancer Syndrome. Identifiers: Orphanet 140162, MedGen C0027672, MeSH D009386, MONDO:0015356.
Hereditary breast ovarian cancer syndrome. Also called: Hereditary breast and ovarian cancer syndrome; Hereditary breast and ovarian cancer; Hereditary breast and ovarian cancer syndrome (HBOC); Breast and ovarian cancer; Hereditary breast and/or ovarian cancer syndrome; BRCA1- and BRCA2-Associated Hereditary Breast and Ovarian Cancer. Identifiers: Orphanet 145, MedGen C0677776, MeSH D061325, MONDO:0003582. Disease mechanism: loss of function.

Submissions (3):

Labcorp Genetics (formerly Invitae), Labcorp
Classification: Uncertain significance for Hereditary breast ovarian cancer syndrome. Last evaluated: 2024-07-20. Review status: criteria provided, single submitter. Criteria: Invitae Variant Classification Sherloc (09022015). Collection method: clinical testing. Allele origin: germline.
Comment: This sequence change replaces valine, which is neutral and non-polar, with leucine, which is neutral and non-polar, at codon 2228 of the BRCA2 protein (p.Val2228Leu). This variant is not present in population databases (gnomAD no frequency). This variant has not been reported in the literature in individuals affected with BRCA2-related conditions. ClinVar contains an entry for this variant (Variation ID: 826552). Advanced modeling of protein sequence and biophysical properties (such as structural, functional, and spatial information, amino acid conservation, physicochemical variation, residue mobility, and thermodynamic stability) performed at Invitae indicates that this missense variant is not expected to disrupt BRCA2 protein function with a negative predictive value of 95%. In summary, the available evidence is currently insufficient to determine the role of this variant in disease. Therefore, it has been classified as a Variant of Uncertain Significance.

University of Washington Department of Laboratory Medicine, University of Washington
Classification: Likely benign for Hereditary cancer-predisposing syndrome. Last evaluated: 2023-03-23. Review status: criteria provided, single submitter. Criteria: Dines et al. (Genet Med. 2020). Collection method: curation. Allele origin: germline.
Comment: Missense variant in a coldspot region where missense variants are very unlikely to be pathogenic (PMID:31911673).

BRCA2 exon 11 coldspot. Reclassification based on statistical prior probability.

Ambry Genetics
Classification: Uncertain significance for Hereditary cancer-predisposing syndrome. Last evaluated: 2022-09-25. Review status: criteria provided, single submitter. Criteria: Ambry Variant Classification Scheme 2023. Collection method: clinical testing. Allele origin: germline.
Comment: The p.V2228L variant (also known as c.6682G>C), located in coding exon 10 of the BRCA2 gene, results from a G to C substitution at nucleotide position 6682. The valine at codon 2228 is replaced by leucine, an amino acid with highly similar properties. This amino acid position is not well conserved in available vertebrate species. In addition, the in silico prediction for this alteration is inconclusive. Since supporting evidence is limited at this time, the clinical significance of this alteration remains unclear.